The following is an entry in ClinVar:

ClinVar aggregate classification (germline): Uncertain significance (1 of 4 stars; one submission).

Conditions:
Idiopathic generalized epilepsy. Also called: EIG; Generalised epilepsy. Identifiers: MedGen C0270850, MONDO:0005579, OMIM 600669.

Submission:

Labcorp Genetics (formerly Invitae), Labcorp
Classification: Uncertain significance for Idiopathic generalized epilepsy. Last evaluated: 2024-05-14. Review status: criteria provided, single submitter. Criteria: Invitae Variant Classification Sherloc (09022015). Collection method: clinical testing. Allele origin: germline.
Comment: This sequence change replaces alanine, which is neutral and non-polar, with aspartic acid, which is acidic and polar, at codon 294 of the RBFOX3 protein (p.Ala294Asp). This variant is not present in population databases (gnomAD no frequency). This variant has not been reported in the literature in individuals affected with RBFOX3-related conditions. An algorithm developed to predict the effect of missense changes on protein structure and function (PolyPhen-2) suggests that this variant is likely to be disruptive. In summary, the available evidence is currently insufficient to determine the role of this variant in disease. Therefore, it has been classified as a Variant of Uncertain Significance.

NM_001350451.2(RBFOX3):c.1022C>A (p.Ala341Asp)

Gene: RBFOX3 (RNA binding fox-1 homolog 3; minus strand). Cytogenetic location: 17q25.3.
Variant type: single nucleotide variant.
Coding change: c.1022C>A on transcript NM_001350451.2 (MANE Select); coding-DNA position 1022, C replaced by A.
Protein change: p.Ala341Asp; replaces alanine 341 with aspartic acid.
Molecular consequence: missense variant.
Genome position (GRCh38, 1-based): chr17:79,094,506, G>T on the plus strand (C>A on the coding strand, the complement: RBFOX3 is on the minus strand). VCF-style: chr17-79094506-G-T. GRCh37 (hg19) VCF-style: chr17-77090588-G-T.
Other names: c.881C>A, p.Ala294Asp (NM_001082575.3, NM_001350453.2, NM_001385825.1 and 16 more transcripts); c.1022C>A, p.Ala341Asp (NM_001385804.1, NM_001385805.1, NM_001385807.1 and 14 more transcripts); c.1019C>A, p.Ala340Asp (NM_001385806.1, NM_001385822.1, NM_001385823.1); c.929C>A, p.Ala310Asp (NM_001385824.1); c.902C>A, p.Ala301Asp (NM_001385827.1); c.878C>A, p.Ala293Asp (NM_001385843.1, NM_001385844.1, NM_001385845.1 and 1 more transcripts); c.734C>A, p.Ala245Asp (NM_001385847.1); short protein forms A310D, A301D, A340D, A341D, A294D, A245D, A293D.
Identifiers: ClinVar variation 3653323 (VCV003653323.2).